The following is an entry in ClinVar:

NM_021870.3(FGG):c.278C>T (p.Thr93Ile)

Gene: FGG (fibrinogen gamma chain; minus strand). Cytogenetic location: 4q32.1.
Variant type: single nucleotide variant.
Coding change: c.278C>T on transcript NM_021870.3 (MANE Select); coding-DNA position 278, C replaced by T.
Protein change: p.Thr93Ile; replaces threonine 93 with isoleucine.
Molecular consequence: missense variant.
Genome position (GRCh38, 1-based): chr4:154,612,047, G>A on the plus strand (C>T on the coding strand, the complement: FGG is on the minus strand). VCF-style: chr4-154612047-G-A. GRCh37 (hg19) VCF-style: chr4-155533199-G-A.
Other names: c.278C>T, p.Thr93Ile (NM_000509.6); short protein forms T93I.
Identifiers: ClinVar variation 546155 (VCV000546155.2), dbSNP rs756652149, ClinGen allele CA358538122.

ClinVar aggregate classification (germline): Uncertain significance (1 of 4 stars; one submission).

Submission:

GeneDx
Classification: Uncertain significance. Last evaluated: 2018-05-01. Review status: criteria provided, single submitter. Criteria: GeneDx Variant Classification (06012015). Collection method: clinical testing. Allele origin: germline. Affected: yes.
Comment: The T93I variant in the FGG gene has not been reported previously as a pathogenic variant, nor as a benign variant, to our knowledge. The T93I variant is not observed in large population cohorts (Lek et al., 2016). The T93I variant is a non-conservative amino acid substitution, which is likely to impact secondary protein structure as these residues differ in polarity, charge, size and/or other properties. In-silico analyses, including protein predictors and evolutionary conservation, support that this variant does not alter protein structure/function. We interpret T93I as a variant of uncertain significance.